The following is an entry in ClinVar:

NM_017680.6(ASPN):c.727T>C (p.Leu243=)

Genes: ASPN (asporin; minus strand), CENPP (centromere protein P; plus strand). Cytogenetic location: 9q22.31.
Variant type: single nucleotide variant.
Coding change: c.727T>C on transcript NM_017680.6 (MANE Select); coding-DNA position 727, T replaced by C.
Protein change: p.Leu243=; no amino-acid change (leucine 243 retained).
Molecular consequence: synonymous variant. On other transcripts: intron variant (3).
Genome position (GRCh38, 1-based): chr9:92,460,550, A>G on the plus strand (T>C on the coding strand, the complement: ASPN is on the minus strand). VCF-style: chr9-92460550-A-G. GRCh37 (hg19) VCF-style: chr9-95222832-A-G.
Other names: c.228+80691A>G (NM_001286969.1); c.564+80691A>G (NM_001012267.3); c.713-3065T>C (NM_001193335.3).
Identifiers: ClinVar variation 3052688 (VCV003052688.2), dbSNP rs539600204, ClinGen allele CA5124726.
Genomic context (GRCh38, chr9:92,460,550, plus strand): 5'-ATCGTTTAAAATCCTCAAGTTCCACTGTTGAAATTTTATTATAATCTAAGTGAAGCTCCA[A>G]TAAAGTTGGTGGTAAGCCTAATAAGAAGAGAAATATATATGTTAAGTCAAGTATCACTAA-3'
Protein context (NP_060150.4, residues 233-253): SVPKGLPPTL[Leu243=]ELHLDYNKIS

ClinVar aggregate classification (germline): Likely benign (0 of 4 stars; one submission).

Conditions:
ASPN-related disorder. Also called: ASPN-related condition.

Allele frequency attached by ClinVar (database versions not stated): gnomAD exomes 0.00001; gnomAD 0.00002; TOPMed 0.00002; ExAC 0.00003; 1000 Genomes Project 30x 0.00016; 1000 Genomes Project 0.00020.
gnomAD v4.1: 15 of 1,590,402 alleles (0.00094%); highest among the groups gnomAD compares: East Asian, 0.0089%; no homozygotes.

Submission:

PreventionGenetics, part of Exact Sciences
Classification: Likely benign for ASPN-related condition. Last evaluated: 2019-08-20. Review status: no assertion criteria provided. Collection method: clinical testing. Allele origin: germline.
Comment: This variant is classified as likely benign based on ACMG/AMP sequence variant interpretation guidelines (Richards et al. 2015 PMID: 25741868, with internal and published modifications).